The following is an entry in ClinVar:

NM_006767.4(LZTR1):c.1573A>C (p.Met525Leu)

Gene: LZTR1 (leucine zipper like post translational regulator 1; plus strand). Cytogenetic location: 22q11.21.
Variant type: single nucleotide variant.
Coding change: c.1573A>C on transcript NM_006767.4 (MANE Select); coding-DNA position 1573, A replaced by C.
Protein change: p.Met525Leu; replaces methionine 525 with leucine.
Molecular consequence: missense variant.
Genome position (GRCh38, 1-based): chr22:20,994,227, A>C. VCF-style: chr22-20994227-A-C. GRCh37 (hg19) VCF-style: chr22-21348516-A-C.
Other names: short protein forms M525L.
Identifiers: ClinVar variation 3238102 (VCV003238102.1), dbSNP rs2147967410.

ClinVar aggregate classification (germline): Uncertain significance (1 of 4 stars; one submission).

Conditions:
Hereditary cancer-predisposing syndrome. Also called: Neoplastic Syndromes, Hereditary; Tumor predisposition; Hereditary neoplastic syndrome; Hereditary Cancer Syndrome. Identifiers: Orphanet 140162, MedGen C0027672, MeSH D009386, MONDO:0015356.
Cardiovascular phenotype. Identifiers: MedGen CN230736.

Submission:

Ambry Genetics
Classification: Uncertain significance for Cardiovascular phenotype; Hereditary cancer-predisposing syndrome. Last evaluated: 2023-08-03. Review status: criteria provided, single submitter. Criteria: Ambry Variant Classification Scheme 2023. Collection method: clinical testing. Allele origin: germline.
Comment: The p.M525L variant (also known as c.1573A>C), located in coding exon 14 of the LZTR1 gene, results from an A to C substitution at nucleotide position 1573. The methionine at codon 525 is replaced by leucine, an amino acid with highly similar properties. This amino acid position is conserved. In addition, this alteration is predicted to be tolerated by in silico analysis. Since supporting evidence is limited at this time, the clinical significance of this alteration remains unclear.